The following is an entry in ClinVar:

NM_001042492.3(NF1):c.8281C>T (p.Pro2761Ser)

Gene: NF1 (neurofibromin 1; plus strand). Cytogenetic location: 17q11.2.
Variant type: single nucleotide variant.
Coding change: c.8281C>T on transcript NM_001042492.3 (MANE Select); coding-DNA position 8281, C replaced by T.
Protein change: p.Pro2761Ser; replaces proline 2761 with serine.
Molecular consequence: missense variant.
Genome position (GRCh38, 1-based): chr17:31,360,607, C>T. VCF-style: chr17-31360607-C-T. GRCh37 (hg19) VCF-style: chr17-29687625-C-T.
Other names: c.8218C>T, p.Pro2740Ser (NM_000267.4); short protein forms P2740S, P2761S.
Identifiers: ClinVar variation 1409685 (VCV001409685.6), dbSNP rs2151588032, ClinGen allele CA399204809.

ClinVar aggregate classification (germline): Uncertain significance (1 of 4 stars; one submission).

Conditions:
Neurofibromatosis, type 1 (NF1). Also called: Peripheral type neurofibromatosis; Neurofibromatosis, type I; VON RECKLINGHAUSEN DISEASE; NEUROFIBROMATOSIS, TYPE I, SOMATIC. Identifiers: Orphanet 636, MedGen C0027831, MONDO:0018975, OMIM 162200. Disease mechanism: loss of function.

Submission:

Labcorp Genetics (formerly Invitae), Labcorp
Classification: Uncertain significance for Neurofibromatosis, type 1. Last evaluated: 2024-05-08. Review status: criteria provided, single submitter. Criteria: Invitae Variant Classification Sherloc (09022015). Collection method: clinical testing. Allele origin: germline.
Comment: This sequence change replaces proline, which is neutral and non-polar, with serine, which is neutral and polar, at codon 2740 of the NF1 protein (p.Pro2740Ser). This variant is not present in population databases (gnomAD no frequency). This variant has not been reported in the literature in individuals affected with NF1-related conditions. ClinVar contains an entry for this variant (Variation ID: 1409685). Advanced modeling of protein sequence and biophysical properties (such as structural, functional, and spatial information, amino acid conservation, physicochemical variation, residue mobility, and thermodynamic stability) has been performed at Invitae for this missense variant, however the output from this modeling did not meet the statistical confidence thresholds required to predict the impact of this variant on NF1 protein function. In summary, the available evidence is currently insufficient to determine the role of this variant in disease. Therefore, it has been classified as a Variant of Uncertain Significance.